The following is an entry in ClinVar:

ClinVar aggregate classification (germline): Uncertain significance (1 of 4 stars; one submission).

gnomAD v4.1: 1 of 1,538,890 alleles (0.000065%); no homozygotes.

Submission:

GeneDx
Classification: Uncertain significance. Last evaluated: 2024-08-21. Review status: criteria provided, single submitter. Criteria: GeneDx Variant Classification Process June 2021. Collection method: clinical testing. Allele origin: germline. Affected: yes.
Comment: Not observed at significant frequency in large population cohorts (gnomAD); In silico analysis indicates that this missense variant does not alter protein structure/function; Has not been previously published as pathogenic or benign to our knowledge

NM_001367624.2(ZNF469):c.10394C>T (p.Ala3465Val)

Gene: ZNF469 (zinc finger protein 469; plus strand). Cytogenetic location: 16q24.2.
Variant type: single nucleotide variant.
Coding change: c.10394C>T on transcript NM_001367624.2 (MANE Select); coding-DNA position 10394, C replaced by T.
Protein change: p.Ala3465Val; replaces alanine 3465 with valine.
Molecular consequence: missense variant.
Genome position (GRCh38, 1-based): chr16:88,437,864, C>T. VCF-style: chr16-88437864-C-T. GRCh37 (hg19) VCF-style: chr16-88504272-C-T.
Other names: NM_001127464.1:c.10310C>T; short protein forms A3465V.
Identifiers: ClinVar variation 3764268 (VCV003764268.1).
Genomic context (GRCh38, chr16:88,437,864, plus strand): 5'-GGCAGCCCTTCGCGTTCCGCGGCGTGCGGAGGCCGGGAGCGCCGGGACAGAAGGCCCGGG[C>T]CCTCGAGGGCACACTGCCCAGCAAACGGCGCAGGGTGGCCATGCCCGGCAGTGCCCCTGG-3'
Protein context (NP_001354553.1, residues 3455-3475): RPGAPGQKAR[Ala3465Val]LEGTLPSKRR